The following is an entry in ClinVar:

NM_003924.4(PHOX2B):c.830C>T (p.Pro277Leu)

Gene: PHOX2B (paired like homeobox 2B; minus strand). Cytogenetic location: 4p13.
Variant type: single nucleotide variant.
Coding change: c.830C>T on transcript NM_003924.4 (MANE Select); coding-DNA position 830, C replaced by T.
Protein change: p.Pro277Leu; replaces proline 277 with leucine.
Molecular consequence: missense variant.
Genome position (GRCh38, 1-based): chr4:41,745,922, G>A on the plus strand (C>T on the coding strand, the complement: PHOX2B is on the minus strand). VCF-style: chr4-41745922-G-A. GRCh37 (hg19) VCF-style: chr4-41747939-G-A.
Other names: short protein forms P277L.
Identifiers: ClinVar variation 939675 (VCV000939675.12), dbSNP rs1733871030, ClinGen allele CA356737053.

ClinVar aggregate classification (germline): Uncertain significance. Review status: criteria provided, multiple submitters, no conflicts (2 of 4 stars). 2 submissions from 2 submitters: Uncertain significance (2). Last evaluated 2025-09-02.

Conditions:
Haddad syndrome (OHD). Also called: Ondine-Hirschsprung disease. Identifiers: Orphanet 99803, MedGen C1859049, MONDO:0020493.
Hereditary cancer-predisposing syndrome. Also called: Hereditary neoplastic syndrome; Neoplastic Syndromes, Hereditary; Tumor predisposition; Hereditary Cancer Syndrome. Identifiers: Orphanet 140162, MedGen C0027672, MeSH D009386, MONDO:0015356.

Submissions (2):

Ambry Genetics
Classification: Uncertain significance for Hereditary cancer-predisposing syndrome. Last evaluated: 2025-09-02. Review status: criteria provided, single submitter. Criteria: Ambry Variant Classification Scheme 2023. Collection method: clinical testing. Allele origin: germline.
Comment: The p.P277L variant (also known as c.830C>T), located in coding exon 3 of the PHOX2B gene, results from a C to T substitution at nucleotide position 830. The proline at codon 277 is replaced by leucine, an amino acid with similar properties. This amino acid position is conserved. In addition, the in silico prediction for this alteration is inconclusive. Based on the available evidence, the clinical significance of this variant remains unclear.

Labcorp Genetics (formerly Invitae), Labcorp
Classification: Uncertain significance for Haddad syndrome. Last evaluated: 2023-03-07. Review status: criteria provided, single submitter. Criteria: Invitae Variant Classification Sherloc (09022015). Collection method: clinical testing. Allele origin: germline.
Comment: In summary, the available evidence is currently insufficient to determine the role of this variant in disease. Therefore, it has been classified as a Variant of Uncertain Significance. Experimental studies and prediction algorithms are not available or were not evaluated, and the functional significance of this variant is currently unknown. This sequence change replaces proline, which is neutral and non-polar, with leucine, which is neutral and non-polar, at codon 277 of the PHOX2B protein (p.Pro277Leu). This variant is not present in population databases (gnomAD no frequency). This variant has not been reported in the literature in individuals affected with PHOX2B-related conditions. ClinVar contains an entry for this variant (Variation ID: 939675).